The following is an entry in ClinVar:

NM_003847.3(PEX11A):c.394C>G (p.Leu132Val)

Gene: PEX11A (peroxisomal biogenesis factor 11 alpha; minus strand). Cytogenetic location: 15q26.1.
Variant type: single nucleotide variant.
Coding change: c.394C>G on transcript NM_003847.3 (MANE Select); coding-DNA position 394, C replaced by G.
Protein change: p.Leu132Val; replaces leucine 132 with valine.
Molecular consequence: missense variant. On other transcripts: 5 prime UTR variant (1).
Genome position (GRCh38, 1-based): chr15:89,683,727, G>C on the plus strand (C>G on the coding strand, the complement: PEX11A is on the minus strand). VCF-style: chr15-89683727-G-C. GRCh37 (hg19) VCF-style: chr15-90226958-G-C.
Other names: c.301C>G, p.Leu101Val (NM_001271572.2); c.-42C>G (NM_001271573.2); c.394C>G (NM_003847.1); short protein forms L101V, L132V.
Identifiers: ClinVar variation 2645697 (VCV002645697.24), dbSNP rs749264393, ClinGen allele CA7729265.

ClinVar aggregate classification (germline): Conflicting classifications of pathogenicity. Review status: criteria provided, conflicting classifications (1 of 4 stars). 2 submissions from 2 submitters: Uncertain significance (1); Likely benign (1). Last evaluated 2025-10-06.

Allele frequency attached by ClinVar (database versions not stated): TOPMed 0.00001; gnomAD exomes 0.00002; ExAC 0.00003.
gnomAD v4.1: 40 of 1,614,012 alleles (0.0025%); highest among the groups gnomAD compares: South Asian, 0.02%; no homozygotes.

Submissions (2):

Ambry Genetics
Classification: Uncertain significance. Last evaluated: 2025-10-06. Review status: criteria provided, single submitter. Criteria: Ambry Variant Classification Scheme 2023. Collection method: clinical testing. Allele origin: germline.

CeGaT Center for Human Genetics Tuebingen
Classification: Likely benign. Last evaluated: 2023-03-01. Review status: criteria provided, single submitter. Criteria: CeGaT Center For Human Genetics Tuebingen Variant Classification Criteria Version 2. Collection method: clinical testing. Allele origin: germline. Affected: yes. Observed: 1 variant allele.
Comment: PEX11A: BP4